The following is an entry in ClinVar:

NM_021098.3(CACNA1H):c.3189C>T (p.Asn1063=)

Gene: CACNA1H (calcium voltage-gated channel subunit alpha1 H; plus strand). Cytogenetic location: 16p13.3.
Variant type: single nucleotide variant.
Coding change: c.3189C>T on transcript NM_021098.3 (MANE Select); coding-DNA position 3189, C replaced by T.
Protein change: p.Asn1063=; no amino-acid change (asparagine 1063 retained).
Molecular consequence: synonymous variant.
Genome position (GRCh38, 1-based): chr16:1,208,047, C>T. VCF-style: chr16-1208047-C-T. GRCh37 (hg19) VCF-style: chr16-1258047-C-T.
Other names: p.Asn1063=; c.3189C>T, p.Asn1063= (NM_001005407.2).
Identifiers: ClinVar variation 529656 (VCV000529656.14), dbSNP rs61394370, ClinGen allele CA7800679.
Genomic context (GRCh38, chr16:1,208,047, plus strand): 5'-GGCCCATTCCTCCCTCTGTCCCGCAGAGCTGAAGATGTGTTCCCTGGCCGTGACCCCCAA[C>T]GGGCACCTGGAGGGACGAGGCAGCCTGTCCCCTCCCCTCATCATGTGCACAGCTGCCACG-3'
Protein context (NP_066921.2, residues 1053-1073): LKMCSLAVTP[Asn1063=]GHLEGRGSLS

ClinVar aggregate classification (germline): Benign/Likely benign. Review status: criteria provided, multiple submitters, no conflicts (2 of 4 stars). 4 submissions from 4 submitters: Benign (3); Likely benign (1). Last evaluated 2026-02-02.

Conditions:
Hyperaldosteronism, familial, type IV (HALD4). Also called: FH IV; ALDOSTERONISM, PRIMARY, AND HYPERTENSION. Identifiers: Orphanet 642671, MedGen C4310756, MONDO:0014875, OMIM 617027.
Idiopathic generalized epilepsy. Also called: Generalised epilepsy; EIG. Identifiers: MedGen C0270850, MONDO:0005579, OMIM 600669.

Allele frequency attached by ClinVar (database versions not stated): gnomAD exomes 0.00173; TOPMed 0.00849; 1000 Genomes Project 30x 0.01093; ExAC 0.00351; 1000 Genomes Project 0.00938; gnomAD 0.00768; ESP Exome Variant Server 0.00932.
gnomAD v4.1: 2,234 of 1,607,400 alleles (0.14%); highest among the groups gnomAD compares: African/African-American, 2.6%; 22 homozygotes.

Submissions (4):

Labcorp Genetics (formerly Invitae), Labcorp
Classification: Benign for Idiopathic generalized epilepsy; Hyperaldosteronism, familial, type IV. Last evaluated: 2026-02-02. Review status: criteria provided, single submitter. Criteria: Invitae Variant Classification Sherloc (09022015). Collection method: clinical testing. Allele origin: germline.

Mayo Clinic Laboratories, Mayo Clinic
Classification: Likely benign. Last evaluated: 2025-06-20. Review status: criteria provided, single submitter. Criteria: ACMG Guidelines, 2015. Collection method: clinical testing. Allele origin: germline. Observed: 1 variant allele.
Comment: BS1, BP4, BP7

Athena Diagnostics
Classification: Benign. Last evaluated: 2018-06-20. Review status: criteria provided, single submitter. Criteria: Athena Diagnostics Criteria. Collection method: clinical testing. Allele origin: germline.

Breakthrough Genomics
Classification: Benign. Review status: criteria provided, single submitter. Criteria: ACMG Guidelines, 2015. Collection method: not provided. Allele origin: germline. Inheritance: Autosomal dominant inheritance. Affected: yes.